The following is an entry in ClinVar:

NM_000400.4(ERCC2):c.949+3G>T

Gene: ERCC2 (ERCC excision repair 2, TFIIH core complex helicase subunit; minus strand). Cytogenetic location: 19q13.32.
Variant type: single nucleotide variant.
Coding change: c.949+3G>T on transcript NM_000400.4 (MANE Select); 3 bases into the intron after coding-DNA position 949, G replaced by T.
Molecular consequence: intron variant.
Genome position (GRCh38, 1-based): chr19:45,363,983, C>A on the plus strand (G>T on the coding strand, the complement: ERCC2 is on the minus strand). VCF-style: chr19-45363983-C-A. GRCh37 (hg19) VCF-style: chr19-45867241-C-A.
Other names: c.877+3G>T (NM_001130867.2).
Identifiers: ClinVar variation 1029822 (VCV001029822.3), dbSNP rs997825199, ClinGen allele CA308966596.

ClinVar aggregate classification (germline): Uncertain significance. Review status: criteria provided, single submitter (1 of 4 stars). 2 submissions from 2 submitters: Uncertain significance (1). 1 of the submissions does not count toward it. Last evaluated 2019-07-17.

Conditions:
Xeroderma pigmentosum, group D (XPD). Also called: ERCC2-Related Xeroderma Pigmentosum; XERODERMA PIGMENTOSUM, COMPLEMENTATION GROUP D; XERODERMA PIGMENTOSUM IV; XP, GROUP D; XP, GROUP H. Identifiers: MedGen C0268138, MONDO:0010212, OMIM 278730.
ERCC2-related disorder. Also called: ERCC2-related conditions; ERCC2-related condition; ERCC2-related disorders. Identifiers: MedGen CN239291.

Allele frequency attached by ClinVar (database versions not stated): TOPMed below 0.00001.

Submissions (2):

Baylor Genetics
Classification: Uncertain significance for Xeroderma pigmentosum, group D. Last evaluated: 2019-07-17. Review status: criteria provided, single submitter. Criteria: ACMG Guidelines, 2015. Collection method: clinical testing. Allele origin: unknown. Affected: yes.
Comment: This variant was determined to be of uncertain significance according to ACMG Guidelines, 2015 [PMID:25741868].

PreventionGenetics, part of Exact Sciences
Classification: Likely benign for ERCC2-related condition. Last evaluated: 2023-06-23. Review status: no assertion criteria provided. Collection method: clinical testing. Allele origin: germline. Not counted in ClinVar's aggregate classification.
Comment: This variant is classified as likely benign based on ACMG/AMP sequence variant interpretation guidelines (Richards et al. 2015 PMID: 25741868, with internal and published modifications).